The following is an entry in ClinVar:

ClinVar aggregate classification (germline): Pathogenic (1 of 4 stars; one submission).

Allele frequency attached by ClinVar (database versions not stated): gnomAD exomes below 0.00001; ExAC 0.00002.
gnomAD v4.1: 2 of 1,613,974 alleles (0.00012%); highest among the groups gnomAD compares: Non-Finnish European, 0.00017%; no homozygotes.

Submission:

Labcorp Genetics (formerly Invitae), Labcorp
Classification: Pathogenic. Last evaluated: 2023-12-19. Review status: criteria provided, single submitter. Criteria: Invitae Variant Classification Sherloc (09022015). Collection method: clinical testing. Allele origin: germline.
Comment: This sequence change creates a premature translational stop signal (p.Glu1662*) in the MPDZ gene. It is expected to result in an absent or disrupted protein product. Loss-of-function variants in MPDZ are known to be pathogenic (PMID: 23240096, 28556411). This variant is present in population databases (rs778870383, gnomAD 0.002%). This variant has not been reported in the literature in individuals affected with MPDZ-related conditions. Algorithms developed to predict the effect of sequence changes on RNA splicing suggest that this variant may disrupt the consensus splice site. For these reasons, this variant has been classified as Pathogenic.

Literature cited by the submitters: PubMed 23240096; PubMed 28556411.

NM_001378778.1(MPDZ):c.4984G>T (p.Glu1662Ter)

Gene: MPDZ (multiple PDZ domain crumbs cell polarity complex component; minus strand). Cytogenetic location: 9p23.
Variant type: single nucleotide variant.
Coding change: c.4984G>T on transcript NM_001378778.1 (MANE Select); coding-DNA position 4984, G replaced by T.
Protein change: p.Glu1662Ter; replaces glutamic acid 1662 with a stop codon.
Molecular consequence: nonsense.
Genome position (GRCh38, 1-based): chr9:13,122,140, C>A on the plus strand (G>T on the coding strand, the complement: MPDZ is on the minus strand). VCF-style: chr9-13122140-C-A. GRCh37 (hg19) VCF-style: chr9-13122139-C-A.
Other names: c.4885G>T, p.Glu1629Ter (NM_001261406.2, NM_001261407.2, NM_001375416.1 and 3 more transcripts); c.4984G>T, p.Glu1662Ter (NM_001330637.2, NM_003829.5); c.5083G>T, p.Glu1695Ter (NM_001375413.1); c.4774G>T, p.Glu1592Ter (NM_001375420.1, NM_001375421.1, NM_001375422.1 and 4 more transcripts); c.4576G>T, p.Glu1526Ter (NM_001375427.1); short protein forms E1526*, E1662*, E1695*, E1592*, E1629*.
Identifiers: ClinVar variation 2868120 (VCV002868120.3), dbSNP rs778870383, ClinGen allele CA4986490.
Genomic context (GRCh38, chr9:13,122,140, plus strand): 5'-TCTATACCTCTAAGATCTGATCTCCAGCCCAGAGTCTTCCATCTTTACATGCTGCTCCTT[C>A]TTCATAAACTTCATGGATAATAATGGCACCCTAAGGGCCCAAACAAAACATACCCATACT-3'